The following is an entry in ClinVar:

NM_031885.5(BBS2):c.1081-3C>T

Gene: BBS2 (Bardet-Biedl syndrome 2; minus strand). Cytogenetic location: 16q13.
Variant type: single nucleotide variant.
Coding change: c.1081-3C>T on transcript NM_031885.5 (MANE Select); 3 bases into the intron before coding-DNA position 1081, C replaced by T.
Molecular consequence: intron variant.
Genome position (GRCh38, 1-based): chr16:56,501,500, G>A on the plus strand (C>T on the coding strand, the complement: BBS2 is on the minus strand). VCF-style: chr16-56501500-G-A. GRCh37 (hg19) VCF-style: chr16-56535412-G-A.
Other names: c.1081-3C>T (NM_001377456.1).
Identifiers: ClinVar variation 4985446 (VCV004985446.1).

ClinVar aggregate classification (germline): Uncertain significance (1 of 4 stars; one submission).

Conditions:
BBS2-related disorder. Also called: BBS2-related condition; BBS2-related disorders. Identifiers: MedGen CN239228.

Submission:

PreventionGenetics, part of Exact Sciences
Classification: Uncertain significance for BBS2-related condition. Last evaluated: 2025-03-03. Review status: criteria provided, single submitter. Criteria: ACMG Guidelines, 2015. Collection method: clinical testing. Allele origin: germline.
Comment: The BBS2 c.1081-3C>T variant is predicted to interfere with splicing. This variant is predicted to alter splicing based on available splicing prediction programs (SpliceAI, Jaganathan et al. 2019. PubMed ID: 30661751). To our knowledge, this variant has not been reported in the literature or in a large population database (gnomAD), indicating this variant is rare. At this time, the clinical significance of this variant is uncertain due to the absence of conclusive functional and genetic evidence.